The following is an entry in ClinVar:

ClinVar aggregate classification (germline): Pathogenic (1 of 4 stars; one submission).

Submission:

Labcorp Genetics (formerly Invitae), Labcorp
Classification: Pathogenic. Last evaluated: 2025-02-18. Review status: criteria provided, single submitter. Criteria: Invitae Variant Classification Sherloc (09022015). Collection method: clinical testing. Allele origin: germline.
Comment: This sequence change creates a premature translational stop signal (p.Glu439Aspfs*97) in the ARID1B gene. It is expected to result in an absent or disrupted protein product. Loss-of-function variants in ARID1B are known to be pathogenic (PMID: 25674384, 30349098). This variant is not present in population databases (gnomAD no frequency). This variant has not been reported in the literature in individuals affected with ARID1B-related conditions. For these reasons, this variant has been classified as Pathogenic.

Literature cited by the submitters: PubMed 25674384; PubMed 30349098.

NM_001374828.1(ARID1B):c.1562_1565dup (p.Glu522fs)

Gene: ARID1B (AT-rich interaction domain 1B; plus strand). Cytogenetic location: 6q25.3.
Variant type: Duplication.
Coding change: c.1562_1565dup on transcript NM_001374828.1 (MANE Select); coding-DNA positions 1562 to 1565, 4 bases duplicated (CCGA; older notation c.1562_1565dupCCGA).
Protein change: p.Glu522fs; shifts the reading frame from glutamic acid 522.
Molecular consequence: frameshift variant.
Genome position (GRCh38, 1-based): chr6:156,779,242-156,779,245, CCGA duplicated. VCF-style (leftmost placement, unchanged base first): chr6-156779241-C-CCCGA. GRCh37 (hg19) VCF-style: chr6-157100375-C-CCCGA.
Other names: c.1562_1565dup, p.Glu522fs (NM_001371656.1, NM_001438491.1, NM_001438492.1 and 9 more transcripts); short protein forms E522fs.
Identifiers: ClinVar variation 4763852 (VCV004763852.1).